The following is an entry in ClinVar:

NM_006859.4(LIAS):c.944G>A (p.Arg315His)

Gene: LIAS (lipoic acid synthetase; plus strand). Cytogenetic location: 4p14.
Variant type: single nucleotide variant.
Coding change: c.944G>A on transcript NM_006859.4 (MANE Select); coding-DNA position 944, G replaced by A.
Protein change: p.Arg315His; replaces arginine 315 with histidine.
Molecular consequence: missense variant.
Genome position (GRCh38, 1-based): chr4:39,471,296, G>A. VCF-style: chr4-39471296-G-A. GRCh37 (hg19) VCF-style: chr4-39472916-G-A.
Other names: p.R315H:CGT>CAT; c.815G>A, p.Arg272His (NM_001278590.2); c.635G>A, p.Arg212His (NM_001363700.2); c.944G>A, p.Arg315His (NM_194451.3); short protein forms R315H, R272H, R212H.
Identifiers: ClinVar variation 206042 (VCV000206042.20), dbSNP rs145535775, ClinGen allele CA315745.
Genomic context (GRCh38, chr4:39,471,296, plus strand): 5'-CACTTCGTGAGGCAGATGTAGACTGCTTGACTTTAGGACAATATATGCAGCCAACAAGGC[G>A]TCACCTTAAGGTACATGTATCTTGATTTGCTTTTTTTTTTTTTTTTTATTTTTAAAGATG-3'
Protein context (NP_006850.2, residues 305-325): TLGQYMQPTR[Arg315His]HLKVEEYITP

ClinVar aggregate classification (germline): Conflicting classifications of pathogenicity. Review status: criteria provided, conflicting classifications (1 of 4 stars). 5 submissions from 5 submitters: Uncertain significance (4); Benign (1). Last evaluated 2026-01-08.

Conditions:
Lipoic acid synthetase deficiency. Also called: HYPERGLYCINEMIA, LACTIC ACIDOSIS, AND SEIZURES. Identifiers: Orphanet 401859, MedGen C3280887, MONDO:0013762, OMIM 614462.

Allele frequency attached by ClinVar (database versions not stated): gnomAD exomes 0.00029 and 0.00063; gnomAD 0.00032 and 0.00033; TOPMed 0.00037; ESP Exome Variant Server 0.00046; ExAC 0.00056.
gnomAD v4.1: 509 of 1,604,120 alleles (0.032%); highest among the groups gnomAD compares: Non-Finnish European, 0.0064%; 2 homozygotes.

Submissions (5):

Labcorp Genetics (formerly Invitae), Labcorp
Classification: Benign for Lipoic acid synthetase deficiency. Last evaluated: 2026-01-08. Review status: criteria provided, single submitter. Criteria: Invitae Variant Classification Sherloc (09022015). Collection method: clinical testing. Allele origin: germline.

GeneDx
Classification: Uncertain significance. Last evaluated: 2025-07-14. Review status: criteria provided, single submitter. Criteria: GeneDx Variant Classification Process June 2021. Collection method: clinical testing. Allele origin: germline. Affected: yes.
Comment: Has not been previously published as pathogenic or benign to our knowledge; In silico analysis supports that this missense variant has a deleterious effect on protein structure/function

Blueprint Genetics
Classification: Uncertain significance. Last evaluated: 2024-06-12. Review status: criteria provided, single submitter. Criteria: ACMG Guidelines, 2015. Collection method: clinical testing. Allele origin: germline.

Revvity Omics, Revvity
Classification: Uncertain significance for Lipoic acid synthetase deficiency. Last evaluated: 2023-08-18. Review status: criteria provided, single submitter. Criteria: ACMG Guidelines, 2015. Collection method: clinical testing. Allele origin: germline.

Athena Diagnostics
Classification: Uncertain significance. Last evaluated: 2017-09-18. Review status: criteria provided, single submitter. Criteria: Athena Diagnostics Criteria. Collection method: clinical testing. Allele origin: germline.